The following is an entry in ClinVar:

NM_003742.4(ABCB11):c.1198-1G>C

Gene: ABCB11 (ATP binding cassette subfamily B member 11; minus strand). Cytogenetic location: 2q31.1.
Variant type: single nucleotide variant.
Coding change: c.1198-1G>C on transcript NM_003742.4 (MANE Select); the canonical splice acceptor site of the intron before coding-DNA position 1198, G replaced by C.
Molecular consequence: splice acceptor variant.
Genome position (GRCh38, 1-based): chr2:168,976,688, C>G on the plus strand (G>C on the coding strand, the complement: ABCB11 is on the minus strand). VCF-style: chr2-168976688-C-G. GRCh37 (hg19) VCF-style: chr2-169833198-C-G.
Identifiers: ClinVar variation 2680384 (VCV002680384.4), dbSNP rs1171005948, ClinGen allele CA349119589.

ClinVar aggregate classification (germline): Pathogenic/Likely pathogenic. Review status: criteria provided, multiple submitters, no conflicts (2 of 4 stars). 4 submissions from 4 submitters: Pathogenic (3); Likely pathogenic (1). Last evaluated 2026-04-14.

Conditions:
Benign recurrent intrahepatic cholestasis type 2 (BRIC2). Also called: Recurrent familial intrahepatic cholestasis 2. Identifiers: Orphanet 65682, Orphanet 99961, MedGen C2608083, MONDO:0011559, OMIM 605479.
Progressive familial intrahepatic cholestasis type 2. Identifiers: Orphanet 79304, MedGen C3489789, MONDO:0011156, OMIM 601847.
Familial intrahepatic cholestasis. Identifiers: Orphanet 284385, MedGen CN296401, MONDO:0017290.

Allele frequency attached by ClinVar (database versions not stated): gnomAD exomes below 0.00001.
gnomAD v4.1: 2 of 1,596,102 alleles (0.00013%); highest among the groups gnomAD compares: Admixed American, 0.0017%; no homozygotes.

Submissions (4):

Genomenon, Inc
Classification: Pathogenic for Familial intrahepatic cholestasis. Last evaluated: 2026-04-14. Review status: criteria provided, single submitter. Criteria: Genomenon Sequence Variant Interpretation Standards - Updated. Collection method: curation. Allele origin: germline. Affected: yes.
Comment: ABCB11 c.1198-1G>C is a canonical splice variant affecting the acceptor splice site of intron 11. It is predicted to affect mRNA splicing, leading to a deleterious effect on the ABCB11 protein. This variant has been observed in at least one proband with an ABCB11-related disorder (PMID:25847299). It is absent or not present at a significant frequency in gnomAD. In conclusion, we classify ABCB11 c.1198-1G>C as a pathogenic variant.

Broad Center for Mendelian Genomics, Broad Institute of MIT and Harvard
Classification: Pathogenic for Progressive familial intrahepatic cholestasis type 2. Last evaluated: 2025-01-29. Review status: criteria provided, single submitter. Criteria: ACMG Guidelines, 2015. Collection method: curation. Allele origin: germline. Inheritance: Autosomal recessive inheritance.
Comment: The c.1198-1G>C variant in ABCB11 has been reported, in the compound heterozygous state, in one individual with BSEP deficiency (PMID: 25847299), and has been identified in 0.002% (1/59782) of Admixed American chromosomes by the Genome Aggregation Database (gnomAD; dbSNP rs1171005948). Although this variant has been seen in the general population in a heterozygous state, its frequency is low enough to be consistent with a recessive carrier frequency. This variant is located in the 5' splice region. SpliceAI predictions indicate use of an out-of-frame cryptic splice site 25 bases from the intron-exon boundary, providing evidence that this variant may cause a frameshift and lead to a premature termination codon downstream. This alteration is then predicted to lead to a truncated or absent protein. However, this information is not predictive enough to determine pathogenicity. Loss of function of the ABCB11 gene is an established disease mechanism in autosomal recessive BSEP deficiency. In summary, this variant meets criteria to be classified as pathogenic for autosomal recessive BSEP deficiency. ACMG/AMP Criteria applied: PVS1, PM3_supporting, PM2_supporting (Richards 2015).

Natera, Inc.
Classification: Likely pathogenic for Progressive familial intrahepatic cholestasis type 2. Last evaluated: 2024-10-20. Review status: criteria provided, single submitter. Criteria: Natera Variant Classification Schema (03/2026). Collection method: clinical testing. Allele origin: germline.
Comment: The c.1198-1G>C variant in ABCB11 is a canonical splice acceptor site variant predicted to affect pre-mRNA splicing, which may result in an abnormal transcript and altered protein product. This variant is expected to result in nonsense mediated decay, truncation, or a dysfunctional protein product. This variant is rare in the general population with a frequency below the threshold expected for the associated phenotype(s). This variant has been observed in one or more individuals affected with the associated recessive disease, as either homozygous or compound heterozygous with a second variant (PMID: 25847299). Given the available evidence, this variant is classified as Likely Pathogenic.

Baylor Genetics
Classification: Pathogenic for Benign recurrent intrahepatic cholestasis type 2. Last evaluated: 2023-04-09. Review status: criteria provided, single submitter. Criteria: ACMG Guidelines, 2015. Collection method: clinical testing. Allele origin: unknown.

Literature cited by the submitters: PubMed 25847299 (cited by Genomenon, Inc and Natera, Inc.).